The following is an entry in ClinVar:

ClinVar aggregate classification (germline): Uncertain significance (1 of 4 stars; one submission).

Conditions:
Amelocerebrohypohidrotic syndrome (KTZS). Also called: EPILEPSY AND YELLOW TEETH; EPILEPSY, DEMENTIA, AND AMELOGENESIS IMPERFECTA; KOHLSCHUTTER SYNDROME; Kohlschutter's syndrome. Identifiers: Orphanet 1946, MedGen C0406740, MONDO:0009185, OMIM 226750.

gnomAD v4.1: 2 of 1,607,678 alleles (0.00012%); highest among the groups gnomAD compares: African/African-American, 0.0013%; no homozygotes.

Submission:

Labcorp Genetics (formerly Invitae), Labcorp
Classification: Uncertain significance for Amelocerebrohypohidrotic syndrome. Last evaluated: 2022-08-16. Review status: criteria provided, single submitter. Criteria: Invitae Variant Classification Sherloc (09022015). Collection method: clinical testing. Allele origin: germline.
Comment: This sequence change replaces glycine, which is neutral and non-polar, with arginine, which is basic and polar, at codon 221 of the ROGDI protein (p.Gly221Arg). This variant is not present in population databases (gnomAD no frequency). This variant has not been reported in the literature in individuals affected with ROGDI-related conditions. ClinVar contains an entry for this variant (Variation ID: 530794). Algorithms developed to predict the effect of missense changes on protein structure and function (SIFT, PolyPhen-2, Align-GVGD) all suggest that this variant is likely to be disruptive. Algorithms developed to predict the effect of sequence changes on RNA splicing suggest that this variant may disrupt the consensus splice site. In summary, the available evidence is currently insufficient to determine the role of this variant in disease. Therefore, it has been classified as a Variant of Uncertain Significance.

NM_024589.3(ROGDI):c.661G>A (p.Gly221Arg)

Gene: ROGDI (rogdi atypical leucine zipper; minus strand). Cytogenetic location: 16p13.3.
Variant type: single nucleotide variant.
Coding change: c.661G>A on transcript NM_024589.3 (MANE Select); coding-DNA position 661, G replaced by A.
Protein change: p.Gly221Arg; replaces glycine 221 with arginine.
Molecular consequence: missense variant. On other transcripts: non-coding transcript variant (1).
Genome position (GRCh38, 1-based): chr16:4,797,972, C>T on the plus strand (G>A on the coding strand, the complement: ROGDI is on the minus strand). VCF-style: chr16-4797972-C-T. GRCh37 (hg19) VCF-style: chr16-4847973-C-T.
Other names: short protein forms G221R.
Identifiers: ClinVar variation 530794 (VCV000530794.9), dbSNP rs757872277, ClinGen allele CA394649596.